The following is an entry in ClinVar:

ClinVar aggregate classification (germline): Uncertain significance (1 of 4 stars; one submission).

Conditions:
Primary ciliary dyskinesia. Also called: Ciliary dyskinesia. Identifiers: Orphanet 244, MedGen C0008780, MONDO:0016575, HP:0012265.

Allele frequency attached by ClinVar (database versions not stated): gnomAD 0.00001; ExAC 0.00002; gnomAD exomes 0.00002 and 0.00003; TOPMed 0.00002.
gnomAD v4.1: 39 of 1,613,290 alleles (0.0024%); highest among the groups gnomAD compares: South Asian, 0.013%; no homozygotes.

Submission:

Labcorp Genetics (formerly Invitae), Labcorp
Classification: Uncertain significance for Primary ciliary dyskinesia. Last evaluated: 2020-02-19. Review status: criteria provided, single submitter. Criteria: Invitae Variant Classification Sherloc (09022015). Collection method: clinical testing. Allele origin: germline.
Comment: In summary, the available evidence is currently insufficient to determine the role of this variant in disease. Therefore, it has been classified as a Variant of Uncertain Significance. Algorithms developed to predict the effect of missense changes on protein structure and function are either unavailable or do not agree on the potential impact of this missense change (SIFT: "Deleterious"; PolyPhen-2: "Not Available"; Align-GVGD: "Class C0"). This variant has not been reported in the literature in individuals with DNAH8-related conditions. This variant is present in population databases (rs746165563, ExAC 0.006%). This sequence change replaces valine with isoleucine at codon 1721 of the DNAH8 protein (p.Val1721Ile). The valine residue is highly conserved and there is a small physicochemical difference between valine and isoleucine.

NM_001206927.2(DNAH8):c.5161G>A (p.Val1721Ile)

Gene: DNAH8 (dynein axonemal heavy chain 8; plus strand). Cytogenetic location: 6p21.2.
Variant type: single nucleotide variant.
Coding change: c.5161G>A on transcript NM_001206927.2 (MANE Select); coding-DNA position 5161, G replaced by A.
Protein change: p.Val1721Ile; replaces valine 1721 with isoleucine.
Molecular consequence: missense variant.
Genome position (GRCh38, 1-based): chr6:38,848,763, G>A. VCF-style: chr6-38848763-G-A. GRCh37 (hg19) VCF-style: chr6-38816539-G-A.
Other names: c.4510G>A, p.Val1504Ile (NM_001371.4); short protein forms V1504I, V1721I.
Identifiers: ClinVar variation 1061035 (VCV001061035.8), dbSNP rs746165563, ClinGen allele CA3789296.